The following is an entry in ClinVar:

ClinVar aggregate classification (germline): Uncertain significance (1 of 4 stars; one submission).

Conditions:
Brugada syndrome 4 (BRGDA4). Identifiers: Orphanet 130, MedGen C2678477, MONDO:0012743, OMIM 611876.

Allele frequency attached by ClinVar (database versions not stated): gnomAD exomes 0.00001.
gnomAD v4.1: 8 of 1,521,388 alleles (0.00053%); highest among the groups gnomAD compares: Non-Finnish European, 0.00063%; no homozygotes.

Submission:

Labcorp Genetics (formerly Invitae), Labcorp
Classification: Uncertain significance for Brugada syndrome 4. Last evaluated: 2025-10-10. Review status: criteria provided, single submitter. Criteria: Invitae Variant Classification Sherloc (09022015). Collection method: clinical testing. Allele origin: germline.
Comment: This sequence change replaces proline, which is neutral and non-polar, with serine, which is neutral and polar, at codon 380 of the CACNB2 protein (p.Pro380Ser). This variant is not present in population databases (gnomAD no frequency). This variant has not been reported in the literature in individuals affected with CACNB2-related conditions. ClinVar contains an entry for this variant (Variation ID: 850092). An algorithm developed to predict the effect of missense changes on protein structure and function (PolyPhen-2) suggests that this variant is likely to be tolerated. In summary, the available evidence is currently insufficient to determine the role of this variant in disease. Therefore, it has been classified as a Variant of Uncertain Significance.

NM_201596.3(CACNB2):c.1300C>T (p.Pro434Ser)

Gene: CACNB2 (calcium voltage-gated channel auxiliary subunit beta 2; plus strand). Cytogenetic location: 10p12.31.
Variant type: single nucleotide variant.
Coding change: c.1300C>T on transcript NM_201596.3 (MANE Select); coding-DNA position 1300, C replaced by T.
Protein change: p.Pro434Ser; replaces proline 434 with serine.
Molecular consequence: missense variant.
Genome position (GRCh38, 1-based): chr10:18,536,194, C>T. VCF-style: chr10-18536194-C-T. GRCh37 (hg19) VCF-style: chr10-18825123-C-T.
Other names: c.1135C>T, p.Pro379Ser (NM_000724.4); c.1102C>T, p.Pro368Ser (NM_001167945.2); c.1021C>T, p.Pro341Ser (NM_001330060.2); c.1156C>T, p.Pro386Ser (NM_201570.3); c.1216C>T, p.Pro406Ser (NM_201571.4); c.1144C>T, p.Pro382Ser (NM_201572.4); c.1138C>T, p.Pro380Ser (NM_201590.3); c.1186C>T, p.Pro396Ser (NM_201593.3); and 1 more; short protein forms P382S, P396S, P434S, P406S, P410S, P341S, P368S, P379S.
Identifiers: ClinVar variation 850092 (VCV000850092.10), dbSNP rs2053551297, ClinGen allele CA376069027.